The following is an entry in ClinVar:

ClinVar aggregate classification (germline): Uncertain significance. Review status: criteria provided, multiple submitters, no conflicts (2 of 4 stars). 2 submissions from 2 submitters: Uncertain significance (2). Last evaluated 2025-03-07.

Conditions:
Hereditary cancer-predisposing syndrome. Also called: Tumor predisposition; Hereditary Cancer Syndrome; Hereditary neoplastic syndrome; Neoplastic Syndromes, Hereditary. Identifiers: Orphanet 140162, MedGen C0027672, MeSH D009386, MONDO:0015356.

Allele frequency attached by ClinVar (database versions not stated): TOPMed below 0.00001.
gnomAD v4.1: 1 of 1,612,734 alleles (0.000062%); highest among the groups gnomAD compares: East Asian, 0.0022%; no homozygotes.

Submissions (2):

Ambry Genetics
Classification: Uncertain significance for Hereditary cancer-predisposing syndrome. Last evaluated: 2025-03-07. Review status: criteria provided, single submitter. Criteria: Ambry Variant Classification Scheme 2023. Collection method: clinical testing. Allele origin: germline.
Comment: The p.C501Y variant (also known as c.1502G>A), located in coding exon 10 of the MSH3 gene, results from a G to A substitution at nucleotide position 1502. The cysteine at codon 501 is replaced by tyrosine, an amino acid with highly dissimilar properties. This amino acid position is highly conserved in available vertebrate species. In addition, the in silico prediction for this alteration is inconclusive. Based on the available evidence, the clinical significance of this variant remains unclear.

Labcorp Genetics (formerly Invitae), Labcorp
Classification: Uncertain significance. Last evaluated: 2022-04-08. Review status: criteria provided, single submitter. Criteria: Invitae Variant Classification Sherloc (09022015). Collection method: clinical testing. Allele origin: germline.
Comment: In summary, the available evidence is currently insufficient to determine the role of this variant in disease. Therefore, it has been classified as a Variant of Uncertain Significance. This sequence change replaces cysteine, which is neutral and slightly polar, with tyrosine, which is neutral and polar, at codon 501 of the MSH3 protein (p.Cys501Tyr). This variant is not present in population databases (gnomAD no frequency). This variant has not been reported in the literature in individuals affected with MSH3-related conditions. Algorithms developed to predict the effect of missense changes on protein structure and function are either unavailable or do not agree on the potential impact of this missense change (SIFT: "Tolerated"; PolyPhen-2: "Possibly Damaging"; Align-GVGD: "Class C0").

NM_002439.5(MSH3):c.1502G>A (p.Cys501Tyr)

Gene: MSH3 (mutS homolog 3; plus strand). Cytogenetic location: 5q14.1.
Variant type: single nucleotide variant.
Coding change: c.1502G>A on transcript NM_002439.5 (MANE Select); coding-DNA position 1502, G replaced by A.
Protein change: p.Cys501Tyr; replaces cysteine 501 with tyrosine.
Molecular consequence: missense variant.
Genome position (GRCh38, 1-based): chr5:80,728,899, G>A. VCF-style: chr5-80728899-G-A. GRCh37 (hg19) VCF-style: chr5-80024718-G-A.
Other names: c.1502G>A (NM_002439.3); short protein forms C501Y.
Identifiers: ClinVar variation 1467808 (VCV001467808.9), dbSNP rs770367587, ClinGen allele CA360274242.